The following is an entry in ClinVar:

NM_007186.6(CEP250):c.566G>A (p.Arg189His)

Gene: CEP250 (centrosomal protein 250; plus strand). Cytogenetic location: 20q11.22.
Variant type: single nucleotide variant.
Coding change: c.566G>A on transcript NM_007186.6 (MANE Select); coding-DNA position 566, G replaced by A.
Protein change: p.Arg189His; replaces arginine 189 with histidine.
Molecular consequence: missense variant. On other transcripts: 5 prime UTR variant (1).
Genome position (GRCh38, 1-based): chr20:35,467,039, G>A. VCF-style: chr20-35467039-G-A. GRCh37 (hg19) VCF-style: chr20-34054864-G-A.
Other names: c.-1334G>A (NM_001318219.1); short protein forms R189H.
Identifiers: ClinVar variation 1001917 (VCV001001917.6), dbSNP rs138289150, ClinGen allele CA9832646.

ClinVar aggregate classification (germline): Uncertain significance. Review status: criteria provided, multiple submitters, no conflicts (2 of 4 stars). 2 submissions from 2 submitters: Uncertain significance (2). Last evaluated 2023-03-07.

Allele frequency attached by ClinVar (database versions not stated): TOPMed 0.00004; gnomAD 0.00008; ESP Exome Variant Server 0.00015; gnomAD exomes 0.00003; ExAC 0.00004.
gnomAD v4.1: 103 of 1,613,680 alleles (0.0064%); highest among the groups gnomAD compares: Non-Finnish European, 0.0078%; no homozygotes.

Submissions (2):

Blueprint Genetics
Classification: Uncertain significance. Last evaluated: 2023-03-07. Review status: criteria provided, single submitter. Criteria: ACMG Guidelines, 2015. Collection method: clinical testing. Allele origin: germline.

Labcorp Genetics (formerly Invitae), Labcorp
Classification: Uncertain significance. Last evaluated: 2022-10-05. Review status: criteria provided, single submitter. Criteria: Invitae Variant Classification Sherloc (09022015). Collection method: clinical testing. Allele origin: germline.
Comment: This variant is present in population databases (rs138289150, gnomAD 0.008%). In summary, the available evidence is currently insufficient to determine the role of this variant in disease. Therefore, it has been classified as a Variant of Uncertain Significance. Algorithms developed to predict the effect of missense changes on protein structure and function are either unavailable or do not agree on the potential impact of this missense change (SIFT: "Not Available"; PolyPhen-2: "Probably Damaging"; Align-GVGD: "Not Available"). ClinVar contains an entry for this variant (Variation ID: 1001917). This variant has not been reported in the literature in individuals affected with CEP250-related conditions. This sequence change replaces arginine, which is basic and polar, with histidine, which is basic and polar, at codon 189 of the CEP250 protein (p.Arg189His).